The following is an entry in ClinVar:

ClinVar aggregate classification (germline): Uncertain significance (1 of 4 stars; one submission).

Conditions:
TERC-related disorder. Also called: TERC-related condition.

Submission:

PreventionGenetics, part of Exact Sciences
Classification: Uncertain significance for TERC-related condition. Last evaluated: 2026-05-21. Review status: criteria provided, single submitter. Criteria: ACMG Guidelines, 2015. Collection method: clinical testing. Allele origin: germline.
Comment: The TERC n.-13C>T variant is predicted to interfere with splicing. This variant occurs upstream of the TERC gene. To our knowledge, this variant has not been reported in the literature. However, single nucleotide variants in TERC promoter elements have been previously associated with disease (Keith et al. 2004. PubMed ID: 15212690; Aalbers et al. 2012. PubMed ID: 22323451). This variant is reported in 0.0058% of alleles in individuals of East Asian descent in gnomAD. At this time, the clinical significance of this variant is uncertain due to the absence of conclusive functional and genetic evidence.

NC_000003.12:g.169765073G>A

Genes: TERC (telomerase RNA component; minus strand), LOC110806306 (telomerase RNA component (TERC) promoter; plus strand). Cytogenetic location: 3q26.2.
Variant type: single nucleotide variant.
Genome position: GRCh38 VCF-style: chr3-169765073-G-A. GRCh37 (hg19) VCF-style: chr3-169482861-G-A.
Identifiers: ClinVar variation 5001659 (VCV005001659.1).
Genomic context (GRCh38, chr3:169,765,073, plus strand): 5'-TAGACAAAAAATGGCCACCACCCCTCCCAGGCCCACCCTCCGCAACCCGGTGCGCTGCCG[G>A]GCGAGTCGGCTTATAAAGGGAGCGGCCGCCGACCGCACGGATTGGCCAAGCTGACTCTCG-3'